The following is an entry in ClinVar:

ClinVar aggregate classification (germline): Uncertain significance. Review status: criteria provided, multiple submitters, no conflicts (2 of 4 stars). 2 submissions from 2 submitters: Uncertain significance (2). Last evaluated 2024-03-06.

Conditions:
Arrhythmogenic right ventricular cardiomyopathy (ARVD). Also called: Arrhythmogenic cardiomyopathy; Cardiomyopathy, ARVC; Arrhythmogenic right ventricular dysplasia; Arrhythmogenic Right Ventricular Cardiomyopathy (ARVC). Identifiers: Orphanet 247, MedGen C0349788, MeSH D019571, MONDO:0016587. Disease mechanism: loss of function. Inheritance: Various modes of inheritance.
Cardiomyopathy (CMYO). Also called: Cardiomyopathies. Identifiers: Orphanet 167848, MedGen C0878544, MONDO:0004994, HP:0001638. Inheritance: Various modes of inheritance.

Submissions (2):

Color Diagnostics, LLC DBA Color Health
Classification: Uncertain significance for Cardiomyopathy. Last evaluated: 2024-03-06. Review status: criteria provided, single submitter. Criteria: ACMG Guidelines, 2015. Collection method: clinical testing. Allele origin: germline.
Comment: This missense variant replaces tryptophan with arginine at codon 123 of the PKP2 protein. Computational prediction tool suggests that this variant may not impact protein structure and function (internally defined REVEL score threshold <=0.5, PMID: 27666373). Splice site prediction tools suggest that this variant may not impact RNA splicing. To our knowledge, functional studies have not been performed for this variant. This variant has not been reported in individuals affected with cardiovascular disorders in the literature. This variant has not been identified in the general population by the Genome Aggregation Database (gnomAD). The available evidence is insufficient to determine the role of this variant in disease conclusively. Therefore, this variant is classified as a Variant of Uncertain Significance.

All of Us Research Program, National Institutes of Health
Classification: Uncertain significance for Arrhythmogenic right ventricular cardiomyopathy. Last evaluated: 2023-03-28. Review status: criteria provided, single submitter. Criteria: ACMG Guidelines, 2015. Collection method: clinical testing. Allele origin: germline. Inheritance: Autosomal dominant inheritance. Observed: 1 variant allele, 1 heterozygote.
Comment: This missense variant replaces tryptophan with arginine at codon 123 of the PKP2 protein. Computational prediction tool suggests that this variant may not impact protein structure and function (internally defined REVEL score threshold <=0.5, PMID: 27666373). Splice site prediction tools suggest that this variant may not impact RNA splicing. To our knowledge, functional studies have not been performed for this variant. This variant has not been reported in individuals affected with cardiovascular disorders in the literature. This variant has not been identified in the general population by the Genome Aggregation Database (gnomAD). The available evidence is insufficient to determine the role of this variant in disease conclusively. Therefore, this variant is classified as a Variant of Uncertain Significance.

This study involves interpretation of variants in research participants for the purpose of population health screening. Participant phenotype was not available at the time of variant classification. Additional details can be found in publication PMID: 35346344, PMCID: PMC8962531

NM_001005242.3(PKP2):c.367T>C (p.Trp123Arg)

Gene: PKP2 (plakophilin 2; minus strand). Cytogenetic location: 12p11.21.
Variant type: single nucleotide variant.
Coding change: c.367T>C on transcript NM_001005242.3 (MANE Select); coding-DNA position 367, T replaced by C.
Protein change: p.Trp123Arg; replaces tryptophan 123 with arginine.
Molecular consequence: missense variant.
Genome position (GRCh38, 1-based): chr12:32,878,513, A>G on the plus strand (T>C on the coding strand, the complement: PKP2 is on the minus strand). VCF-style: chr12-32878513-A-G. GRCh37 (hg19) VCF-style: chr12-33031447-A-G.
Other names: c.367T>C, p.Trp123Arg (NM_004572.4); short protein forms W123R.
Identifiers: ClinVar variation 927927 (VCV000927927.5), dbSNP rs1956956697, ClinGen allele CA384365459.
Genomic context (GRCh38, chr12:32,878,513, plus strand): 5'-GCCTCAAGGACCTTTCTTCCACGGACTTCTGGGAGCTGTACTGTGCTGTTCCTCTTCCCC[A>G]GCGACCTTCATAAGTGGCAGTTGTGCCAGCCTGCACATGAGAGAAATAAAGTTTAAAGGG-3'
Protein context (NP_001005242.2, residues 113-133): AGTTATYEGR[Trp123Arg]GRGTAQYSSQ